The following is an entry in ClinVar:

ClinVar aggregate classification (germline): Conflicting classifications of pathogenicity. Review status: criteria provided, conflicting classifications (1 of 4 stars). 6 submissions from 6 submitters: Uncertain significance (5); Likely benign (1). Last evaluated 2025-08-15.

Conditions:
Macrothrombocytopenia and granulocyte inclusions with or without nephritis or sensorineural hearing loss (MATINS). Also called: BLEEDING DISORDER, PLATELET-TYPE, 6; MACROTHROMBOCYTOPENIA, NEPHRITIS, AND DEAFNESS; MACROTHROMBOCYTOPENIA, NEPHRITIS, DEAFNESS, AND LEUKOCYTE INCLUSIONS; ALPORT SYNDROME WITH MACROTHROMBOCYTOPENIA; Fechtner syndrome; Epstein syndrome. Identifiers: Orphanet 182050, MedGen C5200934, MONDO:0015912, OMIM 155100.
Autosomal dominant nonsyndromic hearing loss 17. Also called: Autosomal dominant nonsyndromic deafness 17; Deafness, autosomal dominant 17. Identifiers: Orphanet 90635, MedGen C1863659, MONDO:0011350, OMIM 603622.

Allele frequency attached by ClinVar (database versions not stated): ExAC 0.00004; gnomAD exomes 0.00004; TOPMed 0.00004; gnomAD 0.00006; ESP Exome Variant Server 0.00008.
gnomAD v4.1: 39 of 1,609,316 alleles (0.0024%); highest among the groups gnomAD compares: Admixed American, 0.005%; no homozygotes.

Submissions (6):

Labcorp Genetics (formerly Invitae), Labcorp
Classification: Likely benign. Last evaluated: 2025-08-15. Review status: criteria provided, single submitter. Criteria: Invitae Variant Classification Sherloc (09022015). Collection method: clinical testing. Allele origin: germline.

Mayo Clinic Laboratories, Mayo Clinic
Classification: Uncertain significance. Last evaluated: 2025-01-14. Review status: criteria provided, single submitter. Criteria: ACMG Guidelines, 2015. Collection method: clinical testing. Allele origin: germline. Observed: 1 variant allele.
Comment: BS1_supporting, PP2

Fulgent Genetics
Classification: Uncertain significance for Macrothrombocytopenia and granulocyte inclusions with or without nephritis or sensorineural hearing loss; Autosomal dominant nonsyndromic hearing loss 17. Last evaluated: 2024-05-29. Review status: criteria provided, single submitter. Criteria: ACMG Guidelines, 2015. Collection method: clinical testing. Allele origin: germline.

GeneDx
Classification: Uncertain significance. Last evaluated: 2021-04-12. Review status: criteria provided, single submitter. Criteria: GeneDx Variant Classification Process June 2021. Collection method: clinical testing. Allele origin: germline. Affected: yes.
Comment: In silico analysis supports that this missense variant does not alter protein structure/function; Has not been previously published as pathogenic or benign to our knowledge

Revvity Omics, Revvity
Classification: Uncertain significance. Last evaluated: 2019-01-18. Review status: criteria provided, single submitter. Criteria: ACMG Guidelines, 2015. Collection method: clinical testing. Allele origin: germline.

Laboratory for Molecular Medicine, Mass General Brigham Personalized Medicine
Classification: Uncertain significance. Last evaluated: 2016-02-25. Review status: criteria provided, single submitter. Criteria: LMM Criteria. Collection method: clinical testing. Allele origin: germline. Observed: 1 variant allele.
Comment: The p.Glu1350Asp variant in MYH9 has not been previously reported in individuals with hearing loss. It has been identified in 4/66412 European chromosomes by th e Exome Aggregation Consortium (ExAC; dbSNP rs37 5955867). Although this variant has been seen in the general population, its fre quency is not high enough to rule out a pathogenic role. Computational predictio n tools and conservation analyses do not provide strong support for or against a n impact to the protein. In summary, the clinical significance of the p.Glu1350A sp variant is uncertain.

NM_002473.6(MYH9):c.4050G>C (p.Glu1350Asp)

Gene: MYH9 (myosin heavy chain 9; minus strand). Cytogenetic location: 22q12.3.
Variant type: single nucleotide variant.
Coding change: c.4050G>C on transcript NM_002473.6 (MANE Select); coding-DNA position 4050, G replaced by C.
Protein change: p.Glu1350Asp; replaces glutamic acid 1350 with aspartic acid.
Molecular consequence: missense variant.
Genome position (GRCh38, 1-based): chr22:36,293,374, C>G on the plus strand (G>C on the coding strand, the complement: MYH9 is on the minus strand). VCF-style: chr22-36293374-C-G. GRCh37 (hg19) VCF-style: chr22-36689420-C-G.
Other names: c.4050G>C (NM_002473.5); short protein forms E1350D.
Identifiers: ClinVar variation 228927 (VCV000228927.14), dbSNP rs375955867, ClinGen allele CA10209481.